The following is an entry in ClinVar:

ClinVar aggregate classification (germline): Uncertain significance (1 of 4 stars; one submission).

Conditions:
Hereditary breast ovarian cancer syndrome. Also called: Hereditary breast and ovarian cancer syndrome; Hereditary breast and/or ovarian cancer syndrome; Hereditary breast and ovarian cancer syndrome (HBOC); Breast and ovarian cancer; BRCA1- and BRCA2-Associated Hereditary Breast and Ovarian Cancer; Hereditary breast and ovarian cancer. Identifiers: Orphanet 145, MedGen C0677776, MeSH D061325, MONDO:0003582. Disease mechanism: loss of function.

Allele frequency attached by ClinVar (database versions not stated): TOPMed 0.00001.

Submission:

Labcorp Genetics (formerly Invitae), Labcorp
Classification: Uncertain significance for Hereditary breast ovarian cancer syndrome. Last evaluated: 2024-11-18. Review status: criteria provided, single submitter. Criteria: Invitae Variant Classification Sherloc (09022015). Collection method: clinical testing. Allele origin: germline.
Comment: This sequence change replaces leucine, which is neutral and non-polar, with proline, which is neutral and non-polar, at codon 118 of the BRCA1 protein (p.Leu118Pro). This variant is not present in population databases (gnomAD no frequency). This variant has not been reported in the literature in individuals affected with BRCA1-related conditions. ClinVar contains an entry for this variant (Variation ID: 1001081). Invitae Evidence Modeling of protein sequence and biophysical properties (such as structural, functional, and spatial information, amino acid conservation, physicochemical variation, residue mobility, and thermodynamic stability) indicates that this missense variant is not expected to disrupt BRCA1 protein function with a negative predictive value of 80%. In summary, the available evidence is currently insufficient to determine the role of this variant in disease. Therefore, it has been classified as a Variant of Uncertain Significance.

NM_007294.4(BRCA1):c.353T>C (p.Leu118Pro)

Gene: BRCA1 (BRCA1 DNA repair associated; minus strand). Cytogenetic location: 17q21.31.
Variant type: single nucleotide variant.
Coding change: c.353T>C on transcript NM_007294.4 (MANE Select); coding-DNA position 353, T replaced by C.
Protein change: p.Leu118Pro; replaces leucine 118 with proline.
Molecular consequence: missense variant. On other transcripts: non-coding transcript variant (1).
Genome position (GRCh38, 1-based): chr17:43,104,210, A>G on the plus strand (T>C on the coding strand, the complement: BRCA1 is on the minus strand). VCF-style: chr17-43104210-A-G. GRCh37 (hg19) VCF-style: chr17-41256227-A-G.
Other names: c.353T>C, p.Leu118Pro (NM_001408420.1, NM_001408421.1, NM_001408422.1 and 165 more transcripts); c.221T>C, p.Leu74Pro (NM_001408451.1); c.212T>C, p.Leu71Pro (NM_001408452.1, NM_001408453.1, NM_001407692.1 and 99 more transcripts); c.143T>C, p.Leu48Pro (NM_001407571.1, NM_001407853.1, NM_001407879.1 and 58 more transcripts); c.344T>C, p.Leu115Pro (NM_001407646.1, NM_001407647.1, NM_001408408.1); c.275T>C, p.Leu92Pro (NM_001407653.1, NM_001407654.1, NM_001407655.1 and 21 more transcripts); c.-29T>C (NM_001407959.1, NM_001407960.1, NM_001407962.1 and 4 more transcripts); short protein forms L118P, L71P, L92P, L115P, L74P, L48P.
Identifiers: ClinVar variation 1001081 (VCV001001081.10), dbSNP rs2054632458, ClinGen allele CA10601439.